The following is an entry in ClinVar:

NM_031475.3(ESPN):c.2029G>A (p.Val677Met)

Gene: ESPN (espin; plus strand). Cytogenetic location: 1p36.31.
Variant type: single nucleotide variant.
Coding change: c.2029G>A on transcript NM_031475.3 (MANE Select); coding-DNA position 2029, G replaced by A.
Protein change: p.Val677Met; replaces valine 677 with methionine.
Molecular consequence: missense variant.
Genome position (GRCh38, 1-based): chr1:6,451,716, G>A. VCF-style: chr1-6451716-G-A. GRCh37 (hg19) VCF-style: chr1-6511776-G-A.
Other names: c.1939G>A, p.Val647Met (NM_001367473.1); c.1966G>A, p.Val656Met (NM_001367474.1); short protein forms V647M, V677M, V656M.
Identifiers: ClinVar variation 3090486 (VCV003090486.3), dbSNP rs777091021, ClinGen allele CA560344.

ClinVar aggregate classification (germline): Uncertain significance. Review status: criteria provided, multiple submitters, no conflicts (2 of 4 stars). 3 submissions from 3 submitters: Uncertain significance (3). Last evaluated 2025-07-18.

Conditions:
Inborn genetic diseases. Identifiers: MedGen C0950123, MeSH D030342.

Allele frequency attached by ClinVar (database versions not stated): ExAC 0.00001; gnomAD exomes 0.00001; gnomAD 0.00016; TOPMed 0.00031.
gnomAD v4.1: 47 of 1,612,798 alleles (0.0029%); highest among the groups gnomAD compares: Admixed American, 0.03%; no homozygotes.

Submissions (3):

GeneDx
Classification: Uncertain significance. Last evaluated: 2025-07-18. Review status: criteria provided, single submitter. Criteria: GeneDx Variant Classification Process June 2021. Collection method: clinical testing. Allele origin: germline.
Comment: In silico analysis supports that this missense variant has a deleterious effect on protein structure/function; Has not been previously published as pathogenic or benign to our knowledge

Blueprint Genetics
Classification: Uncertain significance. Last evaluated: 2024-08-28. Review status: criteria provided, single submitter. Criteria: ACMG Guidelines, 2015. Collection method: clinical testing. Allele origin: germline.

Ambry Genetics
Classification: Uncertain significance for Inborn genetic diseases. Last evaluated: 2024-01-23. Review status: criteria provided, single submitter. Criteria: Ambry Variant Classification Scheme 2023. Collection method: clinical testing. Allele origin: germline.